The following is an entry in ClinVar:

ClinVar aggregate classification (germline): Conflicting classifications of pathogenicity. Review status: criteria provided, conflicting classifications (1 of 4 stars). 8 submissions from 8 submitters: Likely pathogenic (1); Uncertain significance (6). 1 of the submissions does not count toward it. Last evaluated 2026-10-01.

Conditions:
Smith-Lemli-Opitz syndrome (SLOS). Also called: RSH SYNDROME; RUTLEDGE LETHAL MULTIPLE CONGENITAL ANOMALY SYNDROME; LETHAL ACRODYSGENITAL SYNDROME; POLYDACTYLY, SEX REVERSAL, RENAL HYPOPLASIA, AND UNILOBAR LUNG; 7-Dehydrocholesterol reductase deficiency. Identifiers: Orphanet 818, MedGen C0175694, MONDO:0010035, OMIM 270400.
DHCR7-related disorder. Also called: DHCR7-related condition.
Inborn genetic diseases. Identifiers: MedGen C0950123, MeSH D030342.

Allele frequency attached by ClinVar (database versions not stated): TOPMed 0.00002; ExAC 0.00003.

Submissions (8):

GeneDx
Classification: Likely pathogenic. Last evaluated: 2026-10-01. Review status: criteria provided, single submitter. Criteria: GeneDx Variant Classification Process June 2021. Collection method: clinical testing. Allele origin: germline.
Comment: Reported previously in an individual with intellectual disability, who harbored a second variant in the DHCR7 gene (PMID: 26350204); In silico analysis supports that this missense variant has a deleterious effect on protein structure/function; In silico analysis suggests this variant may impact gene splicing. In the absence of RNA/functional studies, the actual effect of this sequence change is unknown.; This variant is associated with the following publications: (PMID: 33836803, 26350204)

Myriad Genetics, Inc.
Classification: Uncertain significance for Smith-Lemli-Opitz syndrome. Last evaluated: 2026-06-30. Review status: criteria provided, single submitter. Criteria: Myriad Autosomal Dominant, Autosomal Recessive and X-Linked Classification Criteria (2023). Collection method: clinical testing. Allele origin: unknown.
Comment: NM_001360.2(DHCR7):c.356A>G(H119R) is a missense variant classified as a variant of uncertain significance in the context of Smith-Lemli-Opitz syndrome. H119R has not been observed in cases with relevant disease. Relevant functional assessments of this variant are not available in the literature. H119R has been observed in referenced population frequency databases. In summary, there is insufficient evidence to classify NM_001360.2(DHCR7):c.356A>G(H119R) as pathogenic or benign. Please note: this variant was assessed in the context of healthy population screening.

Ambry Genetics
Classification: Uncertain significance for Inborn genetic diseases. Last evaluated: 2026-01-12. Review status: criteria provided, single submitter. Criteria: Ambry Variant Classification Scheme 2023. Collection method: clinical testing. Allele origin: germline.
Comment: The c.356A>G (p.H119R) alteration is located in exon 5 (coding exon 3) of the DHCR7 gene. This alteration results from a A to G substitution at nucleotide position 356, causing the histidine (H) at amino acid position 119 to be replaced by an arginine (R). Based on data from gnomAD, the G allele has an overall frequency of 0.007% (17/250946) total alleles studied. The highest observed frequency was 0.026% (8/30502) of South Asian alleles. This amino acid position is highly conserved in available vertebrate species. This alteration is predicted to be deleterious by in silico analysis. Based on insufficient or conflicting evidence, the clinical significance of this alteration remains unclear.

PreventionGenetics, part of Exact Sciences
Classification: Uncertain significance for DHCR7-related condition. Last evaluated: 2024-11-21. Review status: criteria provided, single submitter. Criteria: ACMG Guidelines, 2015. Collection method: clinical testing. Allele origin: germline.
Comment: The DHCR7 c.356A>G variant is predicted to result in the amino acid substitution p.His119Arg. To our knowledge, this variant has not been reported to be associated with congenital cataracts. However, this variant has been reported in the compound heterozygous state in an individual with intellectual disability (Table S4, Grozeva et al. 2015. PubMed ID: 26350204). An alternative nucleotide change affecting the same amino acid (p.His119Leu) along with a second causative variant in the compound heterozygous state has been reported in a patient with Smith-Lemli-Opitz syndrome (Jira et al. 2001. PubMed ID: 11427181). This variant is reported in 0.0070% of alleles in individuals of European (Non-Finnish) descent in gnomAD. Although we suspect this variant could be pathogenic, at this time, the clinical significance of this variant is uncertain due to the absence of conclusive functional and genetic evidence.

Labcorp Genetics (formerly Invitae), Labcorp
Classification: Uncertain significance for Smith-Lemli-Opitz syndrome. Last evaluated: 2022-06-24. Review status: criteria provided, single submitter. Criteria: Invitae Variant Classification Sherloc (09022015). Collection method: clinical testing. Allele origin: germline.
Comment: This sequence change replaces histidine, which is basic and polar, with arginine, which is basic and polar, at codon 119 of the DHCR7 protein (p.His119Arg). This variant is present in population databases (no rsID available, gnomAD 0.03%). This variant has not been reported in the literature in individuals affected with DHCR7-related conditions. ClinVar contains an entry for this variant (Variation ID: 520689). Advanced modeling of protein sequence and biophysical properties (such as structural, functional, and spatial information, amino acid conservation, physicochemical variation, residue mobility, and thermodynamic stability) performed at Invitae indicates that this missense variant is expected to disrupt DHCR7 protein function. Algorithms developed to predict the effect of sequence changes on RNA splicing suggest that this variant may create or strengthen a splice site. In summary, the available evidence is currently insufficient to determine the role of this variant in disease. Therefore, it has been classified as a Variant of Uncertain Significance.

Fulgent Genetics
Classification: Uncertain significance for Smith-Lemli-Opitz syndrome. Last evaluated: 2022-04-20. Review status: criteria provided, single submitter. Criteria: ACMG Guidelines, 2015. Collection method: clinical testing. Allele origin: unknown.

Juno Genomics, Hangzhou Juno Genomics, Inc
Classification: Uncertain significance for Smith-Lemli-Opitz syndrome. Review status: criteria provided, single submitter. Criteria: ACMG Guidelines, 2015. Collection method: clinical testing. Allele origin: germline.
Comment: Absent from controls (or at extremely low frequency if recessive) in Genome Aggregation Database.;Multiple lines of computational evidence support a deleterious effect on the gene or gene product.

Natera, Inc.
Classification: Uncertain significance for Smith-Lemli-Opitz syndrome. Last evaluated: 2020-09-16. Review status: no assertion criteria provided. Collection method: clinical testing. Allele origin: germline. Not counted in ClinVar's aggregate classification.

NM_001360.3(DHCR7):c.356A>G (p.His119Arg)

Gene: DHCR7 (7-dehydrocholesterol reductase; minus strand). Cytogenetic location: 11q13.4.
Variant type: single nucleotide variant.
Coding change: c.356A>G on transcript NM_001360.3 (MANE Select); coding-DNA position 356, A replaced by G.
Protein change: p.His119Arg; replaces histidine 119 with arginine.
Molecular consequence: missense variant.
Genome position (GRCh38, 1-based): chr11:71,442,319, T>C on the plus strand (A>G on the coding strand, the complement: DHCR7 is on the minus strand). VCF-style: chr11-71442319-T-C. GRCh37 (hg19) VCF-style: chr11-71153365-T-C.
Other names: c.356A>G, p.His119Arg (NM_001163817.2); short protein forms H119R.
Identifiers: ClinVar variation 520689 (VCV000520689.14), dbSNP rs28938174, ClinGen allele CA6162605.